The following is an entry in ClinVar:

NM_002473.6(MYH9):c.796C>T (p.Arg266Cys)

Gene: MYH9 (myosin heavy chain 9; minus strand). Cytogenetic location: 22q12.3.
Variant type: single nucleotide variant.
Coding change: c.796C>T on transcript NM_002473.6 (MANE Select); coding-DNA position 796, C replaced by T.
Protein change: p.Arg266Cys; replaces arginine 266 with cysteine.
Molecular consequence: missense variant.
Genome position (GRCh38, 1-based): chr22:36,320,870, G>A on the plus strand (C>T on the coding strand, the complement: MYH9 is on the minus strand). VCF-style: chr22-36320870-G-A. GRCh37 (hg19) VCF-style: chr22-36716915-G-A.
Other names: short protein forms R266C.
Identifiers: ClinVar variation 1801902 (VCV001801902.7), dbSNP rs1208877771, ClinGen allele CA411405675.

ClinVar aggregate classification (germline): Uncertain significance. Review status: criteria provided, multiple submitters, no conflicts (2 of 4 stars). 4 submissions from 4 submitters: Uncertain significance (4). Last evaluated 2025-12-16.

Conditions:
Macrothrombocytopenia and granulocyte inclusions with or without nephritis or sensorineural hearing loss (MATINS). Also called: MYH9-Related Disease (MYH9-RD); DOHLE LEUKOCYTE INCLUSIONS WITH GIANT PLATELETS; MACROTHROMBOCYTOPENIA WITH LEUKOCYTE INCLUSIONS; BLEEDING DISORDER, PLATELET-TYPE, 6; MAY-HEGGLIN ANOMALY; Epstein syndrome. Identifiers: Orphanet 182050, MedGen C5200934, MONDO:0015912, OMIM 155100.
Autosomal dominant nonsyndromic hearing loss 17. Also called: Autosomal dominant nonsyndromic deafness 17; Deafness, autosomal dominant 17. Identifiers: Orphanet 90635, MedGen C1863659, MONDO:0011350, OMIM 603622.
MYH9-related disorder. Identifiers: MedGen C1854520.

Allele frequency attached by ClinVar (database versions not stated): gnomAD exomes below 0.00001; gnomAD 0.00001; TOPMed 0.00002.
gnomAD v4.1: 4 of 1,613,896 alleles (0.00025%); highest among the groups gnomAD compares: African/African-American, 0.004%; no homozygotes.

Submissions (4):

PreventionGenetics, part of Exact Sciences
Classification: Uncertain significance for MYH9-related condition. Last evaluated: 2025-12-16. Review status: criteria provided, single submitter. Criteria: ACMG Guidelines, 2015. Collection method: clinical testing. Allele origin: germline.
Comment: The MYH9 c.796C>T variant is predicted to result in the amino acid substitution p.Arg266Cys. To our knowledge, this variant has not been reported in the literature or in a large population database (gnomAD), indicating this variant is rare. At this time, the clinical significance of this variant is uncertain due to the absence of conclusive functional and genetic evidence.

Fulgent Genetics
Classification: Uncertain significance for Macrothrombocytopenia and granulocyte inclusions with or without nephritis or sensorineural hearing loss; Autosomal dominant nonsyndromic hearing loss 17. Last evaluated: 2024-01-14. Review status: criteria provided, single submitter. Criteria: ACMG Guidelines, 2015. Collection method: clinical testing. Allele origin: germline.

GeneDx
Classification: Uncertain significance. Last evaluated: 2022-06-01. Review status: criteria provided, single submitter. Criteria: GeneDx Variant Classification Process June 2021. Collection method: clinical testing. Allele origin: germline. Affected: yes.
Comment: Not observed at significant frequency in large population cohorts (gnomAD); In silico analysis supports that this missense variant has a deleterious effect on protein structure/function; Has not been previously published as pathogenic or benign to our knowledge

Labcorp Genetics (formerly Invitae), Labcorp
Classification: Uncertain significance. Last evaluated: 2022-04-08. Review status: criteria provided, single submitter. Criteria: Invitae Variant Classification Sherloc (09022015). Collection method: clinical testing. Allele origin: germline.
Comment: This variant has not been reported in the literature in individuals affected with MYH9-related conditions. In summary, the available evidence is currently insufficient to determine the role of this variant in disease. Therefore, it has been classified as a Variant of Uncertain Significance. Algorithms developed to predict the effect of missense changes on protein structure and function (SIFT, PolyPhen-2, Align-GVGD) all suggest that this variant is likely to be disruptive. This variant is not present in population databases (gnomAD no frequency). This sequence change replaces arginine, which is basic and polar, with cysteine, which is neutral and slightly polar, at codon 266 of the MYH9 protein (p.Arg266Cys).